The following is an entry in ClinVar:

ClinVar aggregate classification (germline): Benign. Review status: criteria provided, single submitter (1 of 4 stars). 2 submissions from 2 submitters: Benign (1). 1 of the submissions does not count toward it. Last evaluated 2024-12-13.

Conditions:
Rubinstein-Taybi syndrome due to EP300 haploinsufficiency. Also called: EP300-Related Rubinstein-Taybi Syndrome; RUBINSTEIN-TAYBI SYNDROME 2. Identifiers: Orphanet 353284, Orphanet 783, MedGen C3150941, MONDO:0013364, OMIM 613684.
EP300-related disorder. Also called: EP300-related disorders; EP300-related condition.

Allele frequency attached by ClinVar (database versions not stated): ExAC 0.00002; ESP Exome Variant Server 0.00015.
gnomAD v4.1: 17 of 1,613,924 alleles (0.0011%); highest among the groups gnomAD compares: African/African-American, 0.023%; no homozygotes.

Submissions (2):

Labcorp Genetics (formerly Invitae), Labcorp
Classification: Benign for Rubinstein-Taybi syndrome due to EP300 haploinsufficiency. Last evaluated: 2024-12-13. Review status: criteria provided, single submitter. Criteria: Invitae Variant Classification Sherloc (09022015). Collection method: clinical testing. Allele origin: germline.

PreventionGenetics, part of Exact Sciences
Classification: Likely benign for EP300-related condition. Last evaluated: 2024-04-09. Review status: no assertion criteria provided. Collection method: clinical testing. Allele origin: germline. Not counted in ClinVar's aggregate classification.
Comment: This variant is classified as likely benign based on ACMG/AMP sequence variant interpretation guidelines (Richards et al. 2015 PMID: 25741868, with internal and published modifications).

NM_001429.4(EP300):c.6543C>T (p.Asp2181=)

Gene: EP300 (EP300 lysine acetyltransferase; plus strand). Cytogenetic location: 22q13.2.
Variant type: single nucleotide variant.
Coding change: c.6543C>T on transcript NM_001429.4 (MANE Select); coding-DNA position 6543, C replaced by T.
Protein change: p.Asp2181=; no amino-acid change (aspartic acid 2181 retained).
Molecular consequence: synonymous variant.
Genome position (GRCh38, 1-based): chr22:41,178,254, C>T. VCF-style: chr22-41178254-C-T. GRCh37 (hg19) VCF-style: chr22-41574258-C-T.
Other names: c.6543C>T (NM_001429.3); c.6465C>T, p.Asp2155= (NM_001362843.2).
Identifiers: ClinVar variation 2739973 (VCV002739973.4), dbSNP rs149611960, ClinGen allele CA10253883.